The following is an entry in ClinVar:

NM_007315.4(STAT1):c.1073T>C (p.Leu358Ser)

Gene: STAT1 (signal transducer and activator of transcription 1; minus strand). Cytogenetic location: 2q32.2.
Variant type: single nucleotide variant.
Coding change: c.1073T>C on transcript NM_007315.4 (MANE Select); coding-DNA position 1073, T replaced by C.
Protein change: p.Leu358Ser; replaces leucine 358 with serine.
Molecular consequence: missense variant. On other transcripts: intron variant (1).
Genome position (GRCh38, 1-based): chr2:190,989,639, A>G on the plus strand (T>C on the coding strand, the complement: STAT1 is on the minus strand). VCF-style: chr2-190989639-A-G. GRCh37 (hg19) VCF-style: chr2-191854365-A-G.
Other names: c.1079T>C, p.Leu360Ser (NM_001384881.1, NM_001384884.1); c.1073T>C, p.Leu358Ser (NM_001384882.1, NM_001384886.1, NM_001384888.1 and 2 more transcripts); c.974T>C, p.Leu325Ser (NM_001384883.1); c.914T>C, p.Leu305Ser (NM_001384885.1); c.980T>C, p.Leu327Ser (NM_001384887.1); c.983T>C, p.Leu328Ser (NM_001384890.1); c.1109T>C, p.Leu370Ser (NM_001384891.1); c.1037+1589T>C (NM_001384880.1); short protein forms L360S, L370S, L325S, L358S, L305S, L328S, L327S.
Identifiers: ClinVar variation 1426435 (VCV001426435.8), dbSNP rs2125043967, ClinGen allele CA349919928.

ClinVar aggregate classification (germline): Uncertain significance (1 of 4 stars; one submission).

Conditions:
Immunodeficiency 31B. Also called: STAT1 DEFICIENCY, AUTOSOMAL RECESSIVE; IMMUNODEFICIENCY 31B, MYCOBACTERIAL AND VIRAL INFECTIONS, AUTOSOMAL RECESSIVE. Identifiers: Orphanet 391311, MedGen C3151088, MONDO:0013427, OMIM 613796.
Autoimmune enteropathy and endocrinopathy - susceptibility to chronic infections syndrome. Also called: Immunodeficiency 31C, autosomal dominant; Immunodeficiency 31C. Identifiers: Orphanet 391487, MedGen C3279990, MONDO:0013599, OMIM 614162.
Mendelian susceptibility to mycobacterial diseases due to partial STAT1 deficiency. Also called: IMMUNODEFICIENCY 31A, MYCOBACTERIOSIS, AUTOSOMAL DOMINANT; STAT1 DEFICIENCY, AUTOSOMAL DOMINANT; Immunodeficiency 31a. Identifiers: Orphanet 319595, MedGen C4013950, MONDO:0013956, OMIM 614892.

Submission:

Labcorp Genetics (formerly Invitae), Labcorp
Classification: Uncertain significance for Mendelian susceptibility to mycobacterial diseases due to partial STAT1 deficiency; Immunodeficiency 31B; Autoimmune enteropathy and endocrinopathy - susceptibility to chronic infections syndrome. Last evaluated: 2022-01-06. Review status: criteria provided, single submitter. Criteria: Invitae Variant Classification Sherloc (09022015). Collection method: clinical testing. Allele origin: germline.
Comment: This sequence change replaces leucine, which is neutral and non-polar, with serine, which is neutral and polar, at codon 358 of the STAT1 protein (p.Leu358Ser). In summary, the available evidence is currently insufficient to determine the role of this variant in disease. Therefore, it has been classified as a Variant of Uncertain Significance. Algorithms developed to predict the effect of missense changes on protein structure and function (SIFT, PolyPhen-2, Align-GVGD) all suggest that this variant is likely to be disruptive. This variant has not been reported in the literature in individuals affected with STAT1-related conditions. This variant is not present in population databases (gnomAD no frequency).